The following is an entry in ClinVar:

NM_001182.5(ALDH7A1):c.1265C>G (p.Ser422Cys)

Gene: ALDH7A1 (aldehyde dehydrogenase 7 family member A1; minus strand). Cytogenetic location: 5q23.2.
Variant type: single nucleotide variant.
Coding change: c.1265C>G on transcript NM_001182.5 (MANE Select); coding-DNA position 1265, C replaced by G.
Protein change: p.Ser422Cys; replaces serine 422 with cysteine.
Molecular consequence: missense variant.
Genome position (GRCh38, 1-based): chr5:126,552,073, G>C on the plus strand (C>G on the coding strand, the complement: ALDH7A1 is on the minus strand). VCF-style: chr5-126552073-G-C. GRCh37 (hg19) VCF-style: chr5-125887765-G-C.
Other names: c.1181C>G, p.Ser394Cys (NM_001201377.2); c.1073C>G, p.Ser358Cys (NM_001202404.2); short protein forms S358C, S394C, S422C.
Identifiers: ClinVar variation 961364 (VCV000961364.7), dbSNP rs1253321873, ClinGen allele CA360723092.
Genomic context (GRCh38, chr5:126,552,073, plus strand): 5'-ATTTTTACCTTGAATTTAAAGACATAGAGAATCGGAGCAAAAGTCTCTGTGTGTGCAATG[G>C]ACGCATCGTGGCCAAGACCTGTCACAATTGTCGGTTCTACATAATTTCCAGGGCGATCCA-3'
Protein context (NP_001173.2, residues 412-432): TIVTGLGHDA[Ser422Cys]IAHTETFAPI

ClinVar aggregate classification (germline): Uncertain significance (1 of 4 stars; one submission).

Conditions:
Pyridoxine-dependent epilepsy (EPEO4). Also called: PYRIDOXINE DEPENDENCY WITH SEIZURES; Pyridoxine-Dependent Epilepsy - ALDH7A1; EPILEPSY, EARLY-ONSET, 4, VITAMIN B6-DEPENDENT; Pyridoxine-Dependent Seizures. Identifiers: Orphanet 3006, MedGen C1849508, MONDO:0009945, OMIM 266100. Disease mechanism: loss of function.

Allele frequency attached by ClinVar (database versions not stated): TOPMed below 0.00001; gnomAD exomes below 0.00001.
gnomAD v4.1: 3 of 1,614,044 alleles (0.00019%); highest among the groups gnomAD compares: African/African-American, 0.004%; no homozygotes.

Submission:

Labcorp Genetics (formerly Invitae), Labcorp
Classification: Uncertain significance for Pyridoxine-dependent epilepsy. Last evaluated: 2021-09-01. Review status: criteria provided, single submitter. Criteria: Invitae Variant Classification Sherloc (09022015). Collection method: clinical testing. Allele origin: germline.
Comment: This sequence change replaces serine with cysteine at codon 422 of the ALDH7A1 protein (p.Ser422Cys). The serine residue is moderately conserved and there is a moderate physicochemical difference between serine and cysteine. This variant is not present in population databases (ExAC no frequency). This variant has not been reported in the literature in individuals affected with ALDH7A1-related conditions. Algorithms developed to predict the effect of missense changes on protein structure and function (SIFT, PolyPhen-2, Align-GVGD) all suggest that this variant is likely to be tolerated. In summary, the available evidence is currently insufficient to determine the role of this variant in disease. Therefore, it has been classified as a Variant of Uncertain Significance.